The following is an entry in ClinVar:

ClinVar aggregate classification (germline): Likely pathogenic (1 of 4 stars; one submission).

Conditions:
Early-infantile DEE. Also called: Ohtahara syndrome; Early infantile epileptic encephalopathy; Early infantile epileptic encephalopathy with suppression bursts. Identifiers: Orphanet 1934, MedGen C0393706, MONDO:0800491.

Submission:

Labcorp Genetics (formerly Invitae), Labcorp
Classification: Likely pathogenic for Early-infantile DEE. Last evaluated: 2024-08-20. Review status: criteria provided, single submitter. Criteria: Invitae Variant Classification Sherloc (09022015). Collection method: clinical testing. Allele origin: germline.
Comment: This sequence change affects a donor splice site in intron 4 of the GNAO1 gene. It is expected to disrupt RNA splicing. Variants that disrupt the donor or acceptor splice site typically lead to a loss of protein function (PMID: 16199547), and loss-of-function variants in GNAO1 are known to be pathogenic (PMID: 28747448). This variant is not present in population databases (gnomAD no frequency). This variant has not been reported in the literature in individuals affected with GNAO1-related conditions. Algorithms developed to predict the effect of sequence changes on RNA splicing suggest that this variant may disrupt the consensus splice site. In summary, the currently available evidence indicates that the variant is pathogenic, but additional data are needed to prove that conclusively. Therefore, this variant has been classified as Likely Pathogenic.

Literature cited by the submitters: PubMed 16199547; PubMed 28747448.

NM_020988.3(GNAO1):c.464+1G>A

Gene: GNAO1 (G protein subunit alpha o1; plus strand). Cytogenetic location: 16q13.
Variant type: single nucleotide variant.
Coding change: c.464+1G>A on transcript NM_020988.3 (MANE Select); the canonical splice donor site of the intron after coding-DNA position 464, G replaced by A.
Molecular consequence: splice donor variant.
Genome position (GRCh38, 1-based): chr16:56,328,792, G>A. VCF-style: chr16-56328792-G-A. GRCh37 (hg19) VCF-style: chr16-56362704-G-A.
Other names: c.464+1G>A (NM_138736.3).
Identifiers: ClinVar variation 3663014 (VCV003663014.2).
Genomic context (GRCh38, chr16:56,328,792, plus strand): 5'-AGGAATCCAAGAGTGCTTCAACCGGTCCCGGGAGTATCAGCTCAACGACTCTGCCAAATA[G>A]TGAGTGTCCCAGCGGGCGCATGGCCTGGAGCCGGGCAGTGATGCGGGAGTGGAAGGGACT-3'